The following is an entry in ClinVar:

ClinVar aggregate classification (germline): Likely benign (1 of 4 stars; one submission).

Conditions:
GSN-related disorder. Also called: GSN-related condition.

gnomAD v4.1: 166 of 1,534,458 alleles (0.011%); highest among the groups gnomAD compares: Non-Finnish European, 0.013%; no homozygotes.

Submission:

PreventionGenetics, part of Exact Sciences
Classification: Likely benign for GSN-related condition. Last evaluated: 2025-07-03. Review status: criteria provided, single submitter. Criteria: ACMG Guidelines, 2015. Collection method: clinical testing. Allele origin: germline.
Comment: This variant is classified as likely benign based on ACMG/AMP sequence variant interpretation guidelines (Richards et al. 2015 PMID: 25741868, with internal and published modifications).

NM_198252.3(GSN):c.-10+5204G>C

Genes: GSN (gelsolin; plus strand), LOC126860753 (MED14-independent group 3 enhancer GRCh37_chr9:124048350-124049549; plus strand). Cytogenetic location: 9q33.2.
Variant type: single nucleotide variant.
Coding change: c.-10+5204G>C on transcript NM_198252.3 (MANE Select); 5204 bases into the intron after 10 bases upstream of the start codon, G replaced by C.
Molecular consequence: intron variant.
Genome position (GRCh38, 1-based): chr9:121,286,766, G>C. VCF-style: chr9-121286766-G-C. GRCh37 (hg19) VCF-style: chr9-124049044-G-C.
Other names: c.-10+5204G>C (NM_001353054.1, NM_001353053.1, NM_001353060.2 and 2 more transcripts); c.-48+5204G>C (NM_001353064.2, NM_001353066.2, NM_001353076.2 and 1 more transcripts); c.-2+5204G>C (NM_001353058.2, NM_001353057.2); c.-39+4216G>C (NM_001353073.2, NM_001353068.2); c.-39+4813G>C (NM_001353065.2); c.-10+4813G>C (NM_001127664.2); c.-2+4216G>C (NM_001353059.2, NM_001353056.2); c.-48+4216G>C (NM_001353072.2); and 14 more.
Identifiers: ClinVar variation 4980931 (VCV004980931.1).